The following is an entry in ClinVar:

ClinVar aggregate classification (germline): Uncertain significance (1 of 4 stars; one submission).

Conditions:
ZNF462-related disorder. Also called: ZNF462-related condition; ZNF462 related disease.

gnomAD v4.1: 1 of 1,614,166 alleles (0.000062%); no homozygotes.

Submission:

PreventionGenetics, part of Exact Sciences
Classification: Uncertain significance for ZNF462-related condition. Last evaluated: 2024-12-23. Review status: criteria provided, single submitter. Criteria: ACMG Guidelines, 2015. Collection method: clinical testing. Allele origin: germline.
Comment: The ZNF462 c.3077C>T variant is predicted to result in the amino acid substitution p.Thr1026Ile. To our knowledge, this variant has not been reported in the literature or in a large population database (gnomAD), indicating this variant is rare. At this time, the clinical significance of this variant is uncertain due to the absence of conclusive functional and genetic evidence.

NM_021224.6(ZNF462):c.3077C>T (p.Thr1026Ile)

Gene: ZNF462 (zinc finger protein 462; plus strand). Cytogenetic location: 9q31.2.
Variant type: single nucleotide variant.
Coding change: c.3077C>T on transcript NM_021224.6 (MANE Select); coding-DNA position 3077, C replaced by T.
Protein change: p.Thr1026Ile; replaces threonine 1026 with isoleucine.
Molecular consequence: missense variant.
Genome position (GRCh38, 1-based): chr9:106,926,989, C>T. VCF-style: chr9-106926989-C-T. GRCh37 (hg19) VCF-style: chr9-109689270-C-T.
Other names: c.3077C>T, p.Thr1026Ile (NM_001347997.2); short protein forms T1026I.
Identifiers: ClinVar variation 5002328 (VCV005002328.1).